The following is an entry in ClinVar:

NM_001368067.1(LDB3):c.455C>A (p.Ala152Glu)

Genes: LDB3 (LIM domain binding 3; plus strand), LOC110121486 (VISTA enhancer hs2143; plus strand). Cytogenetic location: 10q23.2.
Variant type: single nucleotide variant.
Coding change: c.455C>A on transcript NM_001368067.1 (MANE Plus Clinical); coding-DNA position 455, C replaced by A.
Protein change: p.Ala152Glu; replaces alanine 152 with glutamic acid.
Molecular consequence: missense variant. On other transcripts: intron variant (5).
Genome position (GRCh38, 1-based): chr10:86,687,179, C>A. VCF-style: chr10-86687179-C-A. GRCh37 (hg19) VCF-style: chr10-88446936-C-A.
Other names: c.455C>A, p.Ala152Glu (NM_001080114.2, NM_001080116.1, NM_001368066.1 and 1 more transcripts); c.800C>A, p.Ala267Glu (NM_001171610.2, NM_001171611.2); c.690-4717C>A (NM_001368064.1, NM_001368063.1, NM_007078.3 and 2 more transcripts); short protein forms A152E, A267E.
Identifiers: ClinVar variation 1026419 (VCV001026419.9), dbSNP rs753193786, ClinGen allele CA377441675.

ClinVar aggregate classification (germline): Uncertain significance (1 of 4 stars; one submission).

Conditions:
Myofibrillar myopathy 4. Also called: Zaspopathy (type). Identifiers: Orphanet 98912, MedGen C4721886, MONDO:0012277, OMIM 609452.

Allele frequency attached by ClinVar (database versions not stated): gnomAD 0.00001.
gnomAD v4.1: 3 of 1,614,108 alleles (0.00019%); highest among the groups gnomAD compares: African/African-American, 0.0013%; no homozygotes.

Submission:

Labcorp Genetics (formerly Invitae), Labcorp
Classification: Uncertain significance for Myofibrillar myopathy 4. Last evaluated: 2020-07-24. Review status: criteria provided, single submitter. Criteria: Invitae Variant Classification Sherloc (09022015). Collection method: clinical testing. Allele origin: germline.
Comment: In summary, the available evidence is currently insufficient to determine the role of this variant in disease. Therefore, it has been classified as a Variant of Uncertain Significance. Algorithms developed to predict the effect of missense changes on protein structure and function are either unavailable or do not agree on the potential impact of this missense change (SIFT: "Tolerated"; PolyPhen-2: "Possibly Damaging"; Align-GVGD: "Class C0"). This variant has not been reported in the literature in individuals with LDB3-related conditions. This variant is not present in population databases (ExAC no frequency). This sequence change replaces alanine with glutamic acid at codon 152 of the LDB3 protein (p.Ala152Glu). The alanine residue is weakly conserved and there is a moderate physicochemical difference between alanine and glutamic acid.